The following is an entry in ClinVar:

ClinVar aggregate classification (germline): Uncertain significance (1 of 4 stars; one submission).

Submission:

GeneDx
Classification: Uncertain significance. Last evaluated: 2025-06-21. Review status: criteria provided, single submitter. Criteria: GeneDx Variant Classification Process June 2021. Collection method: clinical testing. Allele origin: germline. Affected: yes.
Comment: Not observed at significant frequency in large population cohorts (gnomAD); Missense variants in this gene are a common cause of disease and they are underrepresented in the general population; In silico analysis supports that this missense variant has a deleterious effect on protein structure/function; Has not been previously published as pathogenic or benign to our knowledge

NM_030662.4(MAP2K2):c.953T>C (p.Ile318Thr)

Gene: MAP2K2 (mitogen-activated protein kinase kinase 2; minus strand). Cytogenetic location: 19p13.3.
Variant type: single nucleotide variant.
Coding change: c.953T>C on transcript NM_030662.4 (MANE Select); coding-DNA position 953, T replaced by C.
Protein change: p.Ile318Thr; replaces isoleucine 318 with threonine.
Molecular consequence: missense variant. On other transcripts: intron variant (1).
Genome position (GRCh38, 1-based): chr19:4,097,310, A>G on the plus strand (T>C on the coding strand, the complement: MAP2K2 is on the minus strand). VCF-style: chr19-4097310-A-G. GRCh37 (hg19) VCF-style: chr19-4097308-A-G.
Other names: c.383T>C, p.Ile128Thr (NM_001440689.1); c.706-1861T>C (NM_001440688.1); short protein forms I128T, I318T.
Identifiers: ClinVar variation 4538703 (VCV004538703.1).
Genomic context (GRCh38, chr19:4,097,310, plus strand): 5'-AGAAAAGCCAAAAGGCATCAAGCACAAACCTCGTTCACAATATAGTCCAGGAGTTCAAAG[A>G]TGGCCATGGCAGGCCGGCTATCCATCCCGTGACCTGCACAGGGAGAGAGATGGAGGTGAG-3'
Protein context (NP_109587.1, residues 308-328): HGMDSRPAMA[Ile318Thr]FELLDYIVNE